The following is an entry in ClinVar:

ClinVar aggregate classification (germline): Uncertain significance (1 of 4 stars; one submission).

Conditions:
Wilms tumor 1 (WT1). Also called: Wilms tumor, somatic. Identifiers: Orphanet 654, MedGen CN033288, MONDO:0008679, OMIM 194070.

Allele frequency attached by ClinVar (database versions not stated): ExAC 0.00001.
gnomAD v4.1: 1 of 1,608,466 alleles (0.000062%); highest among the groups gnomAD compares: Non-Finnish European, 0.000085%; no homozygotes.

Submission:

All of Us Research Program, National Institutes of Health
Classification: Uncertain significance for Wilms tumor 1. Last evaluated: 2023-11-02. Review status: criteria provided, single submitter. Criteria: ACMG Guidelines, 2015. Collection method: clinical testing. Allele origin: germline. Inheritance: Autosomal dominant inheritance. Observed: 1 variant allele, 1 heterozygote.
Comment: This missense variant replaces valine with alanine at codon 263 of the WT1 protein. Computational prediction suggests that this variant may not impact protein structure and function (internally defined REVEL score threshold <= 0.5, PMID: 27666373). To our knowledge, functional studies have not been reported for this variant. This variant has not been reported in individuals affected with WT1-related disorders in the literature. This variant has been identified in 1/241790 chromosomes in the general population by the Genome Aggregation Database (gnomAD). The available evidence is insufficient to determine the role of this variant in disease conclusively. Therefore, this variant is classified as a Variant of Uncertain Significance.

This study involves interpretation of variants in research participants for the purpose of population health screening. Participant phenotype was not available at the time of variant classification. Additional details can be found in publication PMID: 35346344, PMCID: PMC8962531

NM_024426.6(WT1):c.803T>C (p.Val268Ala)

Gene: WT1 (WT1 transcription factor; minus strand). Cytogenetic location: 11p13.
Variant type: single nucleotide variant.
Coding change: c.803T>C on transcript NM_024426.6 (MANE Select); coding-DNA position 803, T replaced by C.
Protein change: p.Val268Ala; replaces valine 268 with alanine.
Molecular consequence: missense variant. On other transcripts: non-coding transcript variant (2).
Genome position (GRCh38, 1-based): chr11:32,428,040, A>G on the plus strand (T>C on the coding strand, the complement: WT1 is on the minus strand). VCF-style: chr11-32428040-A-G. GRCh37 (hg19) VCF-style: chr11-32449586-A-G.
Other names: c.803T>C, p.Val268Ala (NM_000378.6, NM_001407044.1, NM_001407045.1 and 4 more transcripts); c.152T>C, p.Val51Ala (NM_001198551.2, NM_001198552.2); c.680T>C, p.Val227Ala (NM_001407047.1, NM_001407050.1); c.41T>C, p.Val14Ala (NM_001407051.1); c.584T>C, p.Val195Ala (NM_001429031.1, NM_001429032.1, NM_001429033.1 and 1 more transcripts); c.788T>C, p.Val263Ala (NM_024425.2); short protein forms V14A, V195A, V227A, V263A, V268A, V51A.
Identifiers: ClinVar variation 3074219 (VCV003074219.1), dbSNP rs765230888, ClinGen allele CA065643.